The following is an entry in ClinVar:

ClinVar aggregate classification (germline): Uncertain significance. Review status: criteria provided, multiple submitters, no conflicts (2 of 4 stars). 4 submissions from 4 submitters: Uncertain significance (4). Last evaluated 2025-05-30.

Conditions:
Hereditary cancer-predisposing syndrome. Also called: Neoplastic Syndromes, Hereditary; Tumor predisposition; Hereditary Cancer Syndrome; Hereditary neoplastic syndrome. Identifiers: Orphanet 140162, MedGen C0027672, MeSH D009386, MONDO:0015356.
Nijmegen breakage syndrome-like disorder (NBSLD). Also called: MICROCEPHALY AND SPONTANEOUS CHROMOSOME INSTABILITY WITHOUT IMMUNODEFICIENCY; NBS-LIKE DISORDER; RAD50 DEFICIENCY. Identifiers: Orphanet 240760, MedGen C2751318, MONDO:0013118, OMIM 613078.

Allele frequency attached by ClinVar (database versions not stated): ExAC 0.00001; gnomAD 0.00001; TOPMed 0.00001; ESP Exome Variant Server 0.00008.
gnomAD v4.1: 2 of 1,613,940 alleles (0.00012%); highest among the groups gnomAD compares: African/African-American, 0.0027%; no homozygotes.

Submissions (4):

Quest Diagnostics Nichols Institute San Juan Capistrano
Classification: Uncertain significance. Last evaluated: 2025-05-30. Review status: criteria provided, single submitter. Criteria: Quest Diagnostics criteria. Collection method: clinical testing. Allele origin: unknown.
Comment: The RAD50 c.1115A>G (p.Gln372Arg) variant has not been reported in individuals with RAD50-related conditions in the published literature. The frequency of this variant in the general population (Genome Aggregation Database) is uninformative in the assessment of its pathogenicity. Analysis of this variant using bioinformatics tools for the prediction of the effect of amino acid changes on protein structure and function yielded predictions that this variant is benign. Based on the available information, we are unable to determine the clinical significance of this variant.

Labcorp Genetics (formerly Invitae), Labcorp
Classification: Uncertain significance for Hereditary cancer-predisposing syndrome. Last evaluated: 2023-10-04. Review status: criteria provided, single submitter. Criteria: Invitae Variant Classification Sherloc (09022015). Collection method: clinical testing. Allele origin: germline.
Comment: This sequence change replaces glutamine, which is neutral and polar, with arginine, which is basic and polar, at codon 372 of the RAD50 protein (p.Gln372Arg). This variant is present in population databases (rs375070140, gnomAD 0.007%). This variant has not been reported in the literature in individuals affected with RAD50-related conditions. ClinVar contains an entry for this variant (Variation ID: 527357). Advanced modeling of protein sequence and biophysical properties (such as structural, functional, and spatial information, amino acid conservation, physicochemical variation, residue mobility, and thermodynamic stability) performed at Invitae indicates that this missense variant is not expected to disrupt RAD50 protein function. In summary, the available evidence is currently insufficient to determine the role of this variant in disease. Therefore, it has been classified as a Variant of Uncertain Significance.

Ambry Genetics
Classification: Uncertain significance for Hereditary cancer-predisposing syndrome. Last evaluated: 2021-12-30. Review status: criteria provided, single submitter. Criteria: Ambry Variant Classification Scheme 2023. Collection method: clinical testing. Allele origin: germline.
Comment: The p.Q372R variant (also known as c.1115A>G), located in coding exon 8 of the RAD50 gene, results from an A to G substitution at nucleotide position 1115. The glutamine at codon 372 is replaced by arginine, an amino acid with highly similar properties. This amino acid position is conserved. In addition, this alteration is predicted to be tolerated by in silico analysis. Since supporting evidence is limited at this time, the clinical significance of this alteration remains unclear.

Mendelics
Classification: Uncertain significance for Nijmegen breakage syndrome-like disorder. Last evaluated: 2019-05-28. Review status: criteria provided, single submitter. Criteria: Mendelics Assertion Criteria 2017. Collection method: clinical testing. Allele origin: unknown.

NM_005732.4(RAD50):c.1115A>G (p.Gln372Arg)

Gene: RAD50 (RAD50 double strand break repair protein; plus strand). Cytogenetic location: 5q31.1.
Variant type: single nucleotide variant.
Coding change: c.1115A>G on transcript NM_005732.4 (MANE Select); coding-DNA position 1115, A replaced by G.
Protein change: p.Gln372Arg; replaces glutamine 372 with arginine.
Molecular consequence: missense variant.
Genome position (GRCh38, 1-based): chr5:132,588,750, A>G. VCF-style: chr5-132588750-A-G. GRCh37 (hg19) VCF-style: chr5-131924442-A-G.
Other names: short protein forms Q372R.
Identifiers: ClinVar variation 527357 (VCV000527357.13), dbSNP rs375070140, ClinGen allele CA3405113.